The following is an entry in ClinVar:

ClinVar aggregate classification (germline): Likely pathogenic. Review status: criteria provided, single submitter (1 of 4 stars). 2 submissions from 2 submitters: Likely pathogenic (1). 1 of the submissions does not count toward it. Last evaluated 2022-07-25.

Conditions:
Spondyloepimetaphyseal dysplasia, Isidor-Toutain type. Identifiers: MedGen C5231478, MONDO:0032885, OMIM 618728.

Submissions (2):

Rare Disease Group, Clinical Genetics, Karolinska Institutet
Classification: Likely pathogenic for Spondyloepimetaphyseal dysplasia, Isidor-Toutain type. Last evaluated: 2022-07-25. Review status: criteria provided, single submitter. Criteria: ACMG Guidelines, 2015. Collection method: clinical testing. Allele origin: unknown. Inheritance: Autosomal dominant inheritance. Affected: yes. Observed: 2 variant alleles, 2 heterozygotes.
Comment: The Arg190Leu variant in RPL13 segregates with disease in this family (two affected siblings, none of the parents were carriers in DNA from blood, representing gonadal mosaicism) and was absent from large population databases (gnomAD). The variant occurs in a higly evolutionary conserved position and previously four other families have been reported with disease-causing variants in the same domain (Costantini A. et al. 2021, Le Caigneci et al. 2015). In summary, the variant meets our criteria to be classified as likely pathogenic.

Dept. of Medical Genetics, Telemark Hospital Trust, Telemark Hospital Trust
Classification: Likely pathogenic for Spondyloepimetaphyseal dysplasia, Isidor-Toutain type. Last evaluated: 2022-07-18. Review status: no assertion criteria provided. Collection method: clinical testing. Allele origin: germline. Inheritance: Autosomal dominant inheritance. Affected: yes. Observed: 2 variant alleles, 2 heterozygotes. Not counted in ClinVar's aggregate classification.

NM_000977.4(RPL13):c.569G>T (p.Arg190Leu)

Gene: RPL13 (ribosomal protein L13; plus strand). Cytogenetic location: 16q24.3.
Variant type: single nucleotide variant.
Coding change: c.569G>T on transcript NM_000977.4 (MANE Select); coding-DNA position 569, G replaced by T.
Protein change: p.Arg190Leu; replaces arginine 190 with leucine.
Molecular consequence: missense variant.
Genome position (GRCh38, 1-based): chr16:89,562,975, G>T. VCF-style: chr16-89562975-G-T. GRCh37 (hg19) VCF-style: chr16-89629383-G-T.
Other names: c.428G>T, p.Arg143Leu (NM_001243131.1); c.569G>T, p.Arg190Leu (NM_033251.2); c.569G>T (NM_000977.3); short protein forms R143L, R190L.
Identifiers: ClinVar variation 1696793 (VCV001696793.30), dbSNP rs374646539, ClinGen allele CA397422733.